The following is an entry in ClinVar:

NM_000489.6(ATRX):c.3647T>C (p.Ile1216Thr)

Gene: ATRX (ATRX chromatin remodeler; minus strand). Cytogenetic location: Xq21.1.
Variant type: single nucleotide variant.
Coding change: c.3647T>C on transcript NM_000489.6 (MANE Select); coding-DNA position 3647, T replaced by C.
Protein change: p.Ile1216Thr; replaces isoleucine 1216 with threonine.
Molecular consequence: missense variant.
Genome position (GRCh38, 1-based): chrX:77,681,609, A>G on the plus strand (T>C on the coding strand, the complement: ATRX is on the minus strand). VCF-style: chrX-77681609-A-G. GRCh37 (hg19) VCF-style: chrX-76937101-A-G.
Other names: c.3533T>C, p.Ile1178Thr (NM_138270.5); short protein forms I1178T, I1216T.
Identifiers: ClinVar variation 1316547 (VCV001316547.2), dbSNP rs2148567965, ClinGen allele CA413705867.

ClinVar aggregate classification (germline): Uncertain significance (1 of 4 stars; one submission).

Submission:

GeneDx
Classification: Uncertain significance. Last evaluated: 2019-05-06. Review status: criteria provided, single submitter. Criteria: GeneDx Variant Classification Process June 2021. Collection method: clinical testing. Allele origin: germline. Affected: yes.
Comment: Not observed in large population cohorts (Lek et al., 2016); In silico analysis, which includes protein predictors and evolutionary conservation, supports that this variant does not alter protein structure/function; Has not been previously published as pathogenic or benign to our knowledge